The following is an entry in ClinVar:

NM_002769.5(PRSS1):c.419T>A (p.Leu140His)

Genes: TRB (T cell receptor beta locus; plus strand), PRSS1 (serine protease 1; plus strand). Cytogenetic location: 7q34.
Variant type: single nucleotide variant.
Coding change: c.419T>A on transcript NM_002769.5 (MANE Select); coding-DNA position 419, T replaced by A.
Protein change: p.Leu140His; replaces leucine 140 with histidine.
Molecular consequence: missense variant. On other transcripts: non-coding transcript variant (5).
Genome position (GRCh38, 1-based): chr7:142,751,992, T>A. VCF-style: chr7-142751992-T-A. GRCh37 (hg19) VCF-style: chr7-142459843-T-A.
Other names: short protein forms L140H.
Identifiers: ClinVar variation 1738624 (VCV001738624.4), dbSNP rs2485754744, ClinGen allele CA369609141.

ClinVar aggregate classification (germline): Uncertain significance (1 of 4 stars; one submission).

Conditions:
Hereditary pancreatitis (PCTT). Also called: Hereditary chronic pancreatitis; PRSS1-Related Hereditary Pancreatitis. Identifiers: Orphanet 676, MedGen C0238339, MONDO:0008185, OMIM 167800.

Allele frequency attached by ClinVar (database versions not stated): gnomAD exomes below 0.00001.
gnomAD v4.1: 1 of 1,614,110 alleles (0.000062%); highest among the groups gnomAD compares: Non-Finnish European, 0.000085%; no homozygotes.

Submission:

Ambry Genetics
Classification: Uncertain significance for Hereditary pancreatitis. Last evaluated: 2025-10-31. Review status: criteria provided, single submitter. Criteria: Ambry Variant Classification Scheme 2023. Collection method: clinical testing. Allele origin: germline.
Comment: The p.L140H variant (also known as c.419T>A), located in coding exon 3 of the PRSS1 gene, results from a T to A substitution at nucleotide position 419. The leucine at codon 140 is replaced by histidine, an amino acid with similar properties. This amino acid position is conserved. In addition, this alteration is predicted to be deleterious by in silico analysis. Since supporting evidence is limited at this time, the clinical significance of this alteration remains unclear.